The following is an entry in ClinVar:

ClinVar aggregate classification (germline): Uncertain significance (1 of 4 stars; one submission).

Allele frequency attached by ClinVar (database versions not stated): TOPMed 0.00002.

Submission:

Women's Health and Genetics/Laboratory Corporation of America, LabCorp
Classification: Uncertain significance. Last evaluated: 2022-12-29. Review status: criteria provided, single submitter. Criteria: LabCorp Variant Classification Summary - May 2015. Collection method: clinical testing. Allele origin: germline.
Comment: Variant summary: HFE c.817C>T (p.Pro273Ser) results in a non-conservative amino acid change located in the immunoglobulin C1-set domain (IPR003597) of the encoded protein sequence. Four of five in-silico tools predict a benign effect of the variant on protein function. The variant was absent in 251430 control chromosomes (gnomAD). The available data on variant occurrences in the general population are insufficient to allow any conclusion about variant significance. To our knowledge, no occurrence of c.817C>T in individuals affected with Hemochromatosis Type 1 and no experimental evidence demonstrating its impact on protein function have been reported. No clinical diagnostic laboratories have submitted clinical-significance assessments for this variant to ClinVar after 2014. Based on the evidence outlined above, the variant was classified as uncertain significance.

NM_000410.4(HFE):c.817C>T (p.Pro273Ser)

Gene: HFE (homeostatic iron regulator; plus strand). Cytogenetic location: 6p22.2.
Variant type: single nucleotide variant.
Coding change: c.817C>T on transcript NM_000410.4 (MANE Select); coding-DNA position 817, C replaced by T.
Protein change: p.Pro273Ser; replaces proline 273 with serine.
Molecular consequence: missense variant. On other transcripts: intron variant (1).
Genome position (GRCh38, 1-based): chr6:26,092,885, C>T. VCF-style: chr6-26092885-C-T. GRCh37 (hg19) VCF-style: chr6-26093113-C-T.
Other names: c.817C>T, p.Pro273Ser (NM_001300749.3, NM_001384164.1); c.808C>T, p.Pro270Ser (NM_001406751.1); c.553C>T, p.Pro185Ser (NM_001406752.1, NM_139007.3); c.499C>T, p.Pro167Ser (NM_139003.3); c.541C>T, p.Pro181Ser (NM_139004.3); c.775C>T, p.Pro259Ser (NM_139006.3); c.511C>T, p.Pro171Ser (NM_139008.3); c.748C>T, p.Pro250Ser (NM_139009.3); and 2 more; short protein forms P167S, P181S, P185S, P93S, P250S, P171S, P259S, P270S.
Identifiers: ClinVar variation 1878403 (VCV001878403.1), dbSNP rs772362815, ClinGen allele CA363208382.